The following is an entry in ClinVar:

NM_001040108.2(MLH3):c.4154C>T (p.Ser1385Phe)

Gene: MLH3 (mutL homolog 3; minus strand). Cytogenetic location: 14q24.3.
Variant type: single nucleotide variant.
Coding change: c.4154C>T on transcript NM_001040108.2 (MANE Select); coding-DNA position 4154, C replaced by T.
Protein change: p.Ser1385Phe; replaces serine 1385 with phenylalanine.
Molecular consequence: missense variant.
Genome position (GRCh38, 1-based): chr14:75,018,917, G>A on the plus strand (C>T on the coding strand, the complement: MLH3 is on the minus strand). VCF-style: chr14-75018917-G-A. GRCh37 (hg19) VCF-style: chr14-75485620-G-A.
Other names: c.4082C>T, p.Ser1361Phe (NM_014381.3); short protein forms S1361F, S1385F.
Identifiers: ClinVar variation 1738286 (VCV001738286.2), dbSNP rs2503044850, ClinGen allele CA390419890.

ClinVar aggregate classification (germline): Uncertain significance (1 of 4 stars; one submission).

Allele frequency attached by ClinVar (database versions not stated): gnomAD exomes below 0.00001.
gnomAD v4.1: 1 of 1,614,184 alleles (0.000062%); highest among the groups gnomAD compares: Non-Finnish European, 0.000085%; no homozygotes.

Submission:

Ambry Genetics
Classification: Uncertain significance. Last evaluated: 2020-09-29. Review status: criteria provided, single submitter. Criteria: Ambry Variant Classification Scheme 2023. Collection method: clinical testing. Allele origin: germline.
Comment: The p.S1385F variant (also known as c.4154C>T), located in coding exon 11 of the MLH3 gene, results from a C to T substitution at nucleotide position 4154. The serine at codon 1385 is replaced by phenylalanine, an amino acid with highly dissimilar properties. This amino acid position is highly conserved in available vertebrate species. In addition, this alteration is predicted to be deleterious by in silico analysis. Since supporting evidence is limited at this time, the clinical significance of this alteration remains unclear.